The following is an entry in ClinVar:

NM_001350162.2(TEX15):c.3279T>G (p.Tyr1093Ter)

Gene: TEX15 (testis expressed 15, meiosis and synapsis associated; minus strand). Cytogenetic location: 8p12.
Variant type: single nucleotide variant.
Coding change: c.3279T>G on transcript NM_001350162.2 (MANE Select); coding-DNA position 3279, T replaced by G.
Protein change: p.Tyr1093Ter; replaces tyrosine 1093 with a stop codon.
Molecular consequence: nonsense.
Genome position (GRCh38, 1-based): chr8:30,846,888, A>C on the plus strand (T>G on the coding strand, the complement: TEX15 is on the minus strand). VCF-style: chr8-30846888-A-C. GRCh37 (hg19) VCF-style: chr8-30704404-A-C.
Other names: Y710*; short protein forms Y1093*.
Identifiers: ClinVar variation 190036 (VCV000190036.1), dbSNP rs864309485, ClinGen allele CA213392.

ClinVar aggregate classification (germline): Pathogenic. Review status: criteria provided, single submitter (1 of 4 stars). 2 submissions from 2 submitters: Pathogenic (1). 1 of the submissions does not count toward it.

Conditions:
Spermatogenic failure 25. Identifiers: MedGen C4693765, MONDO:0054729, OMIM 617960.
Oligosynaptic infertility (SPGF1). Also called: OLIGOCHIASMATIC INFERTILITY; SPERMATOGENIC FAILURE 1. Identifiers: MedGen C0403810, MONDO:0009776, OMIM 258150.

Submissions (2):

Research lab, Institute of Genetics and Molecular and Cellular Biology
Classification: Pathogenic for Male infertility. Review status: criteria provided, single submitter. Criteria: Submitter's publication. Collection method: research. Allele origin: inherited. Affected: yes.
Comment: autosomal recessive form of spermatogenic failure associated with defects in meiosis

OMIM
Classification: Pathogenic for SPERMATOGENIC FAILURE 25. Last evaluated: 2015-10-01. Review status: no assertion criteria provided. Collection method: literature only. Allele origin: germline. Not counted in ClinVar's aggregate classification.

Literature cited by the submitters: PubMed 26199321 (cited by OMIM).